The following is an entry in ClinVar:

ClinVar aggregate classification (germline): Uncertain significance (1 of 4 stars; one submission).

Conditions:
Cardiovascular phenotype. Identifiers: MedGen CN230736.

Submission:

Ambry Genetics
Classification: Uncertain significance for Cardiovascular phenotype. Last evaluated: 2021-08-12. Review status: criteria provided, single submitter. Criteria: Ambry Variant Classification Scheme 2023. Collection method: clinical testing. Allele origin: germline.
Comment: The p.D201H variant (also known as c.601G>C), located in coding exon 5 of the SOS2 gene, results from a G to C substitution at nucleotide position 601. The aspartic acid at codon 201 is replaced by histidine, an amino acid with similar properties. This amino acid position is conserved. In addition, this alteration is predicted to be deleterious by in silico analysis. Since supporting evidence is limited at this time, the clinical significance of this alteration remains unclear.

NM_006939.4(SOS2):c.601G>C (p.Asp201His)

Gene: SOS2 (SOS Ras/Rho guanine nucleotide exchange factor 2; minus strand). Cytogenetic location: 14q21.3.
Variant type: single nucleotide variant.
Coding change: c.601G>C on transcript NM_006939.4 (MANE Select); coding-DNA position 601, G replaced by C.
Protein change: p.Asp201His; replaces aspartic acid 201 with histidine.
Molecular consequence: missense variant.
Genome position (GRCh38, 1-based): chr14:50,188,610, C>G on the plus strand (G>C on the coding strand, the complement: SOS2 is on the minus strand). VCF-style: chr14-50188610-C-G. GRCh37 (hg19) VCF-style: chr14-50655328-C-G.
Other names: c.601G>C, p.Asp201His (NM_001411020.1); short protein forms D201H.
Identifiers: ClinVar variation 1751120 (VCV001751120.2), dbSNP rs2503133819, ClinGen allele CA389648176.